The following is an entry in ClinVar:

NM_000548.5(TSC2):c.5144T>A (p.Met1715Lys)

Gene: TSC2 (TSC complex subunit 2; plus strand). Cytogenetic location: 16p13.3.
Variant type: single nucleotide variant.
Coding change: c.5144T>A on transcript NM_000548.5 (MANE Select); coding-DNA position 5144, T replaced by A.
Protein change: p.Met1715Lys; replaces methionine 1715 with lysine.
Molecular consequence: missense variant.
Genome position (GRCh38, 1-based): chr16:2,088,123, T>A. VCF-style: chr16-2088123-T-A. GRCh37 (hg19) VCF-style: chr16-2138124-T-A.
Other names: c.4943T>A, p.Met1648Lys (NM_001077183.3); c.5075T>A, p.Met1692Lys (NM_001114382.3); c.4835T>A, p.Met1612Lys (NM_001318827.2); c.4799T>A, p.Met1600Lys (NM_001318829.2); c.4412T>A, p.Met1471Lys (NM_001318831.2); c.4976T>A, p.Met1659Lys (NM_001318832.2); c.4946T>A, p.Met1649Lys (NM_001363528.2); c.5012T>A, p.Met1671Lys (NM_001370404.1); and 1 more; short protein forms M1671K, M1692K, M1715K, M1471K, M1612K, M1649K, M1672K, M1600K.
Identifiers: ClinVar variation 642467 (VCV000642467.18), dbSNP rs758246234, ClinGen allele CA394312581.

ClinVar aggregate classification (germline): Uncertain significance. Review status: criteria provided, multiple submitters, no conflicts (2 of 4 stars). 3 submissions from 3 submitters: Uncertain significance (3). Last evaluated 2025-11-23.

Conditions:
Tuberous sclerosis 2 (TSC2). Identifiers: Orphanet 805, MedGen C1860707, MONDO:0013199, OMIM 613254.
Hereditary cancer-predisposing syndrome. Also called: Neoplastic Syndromes, Hereditary; Hereditary Cancer Syndrome; Hereditary neoplastic syndrome; Tumor predisposition. Identifiers: Orphanet 140162, MedGen C0027672, MeSH D009386, MONDO:0015356.

Submissions (3):

Labcorp Genetics (formerly Invitae), Labcorp
Classification: Uncertain significance for Tuberous sclerosis 2. Last evaluated: 2025-11-23. Review status: criteria provided, single submitter. Criteria: Invitae Variant Classification Sherloc (09022015). Collection method: clinical testing. Allele origin: germline.
Comment: This sequence change replaces methionine, which is neutral and non-polar, with lysine, which is basic and polar, at codon 1715 of the TSC2 protein (p.Met1715Lys). This variant is not present in population databases (gnomAD no frequency). This variant has not been reported in the literature in individuals affected with TSC2-related conditions. ClinVar contains an entry for this variant (Variation ID: 642467). Invitae Evidence Modeling of protein sequence and biophysical properties (such as structural, functional, and spatial information, amino acid conservation, physicochemical variation, residue mobility, and thermodynamic stability) indicates that this missense variant is not expected to disrupt TSC2 protein function with a negative predictive value of 95%. In summary, the available evidence is currently insufficient to determine the role of this variant in disease. Therefore, it has been classified as a Variant of Uncertain Significance.

Ambry Genetics
Classification: Uncertain significance for Hereditary cancer-predisposing syndrome. Last evaluated: 2025-02-07. Review status: criteria provided, single submitter. Criteria: Ambry Variant Classification Scheme 2023. Collection method: clinical testing. Allele origin: germline.
Comment: The p.M1715K variant (also known as c.5144T>A), located in coding exon 39 of the TSC2 gene, results from a T to A substitution at nucleotide position 5144. The methionine at codon 1715 is replaced by lysine, an amino acid with similar properties. This amino acid position is highly conserved in available vertebrate species. In addition, this alteration is predicted to be deleterious by in silico analysis. Based on the available evidence, the clinical significance of this variant remains unclear.

Genome-Nilou Lab
Classification: Uncertain significance for Tuberous sclerosis 2. Last evaluated: 2021-11-07. Review status: criteria provided, single submitter. Criteria: ACMG Guidelines, 2015. Collection method: clinical testing. Allele origin: germline. Affected: no.